The following is an entry in ClinVar:

ClinVar aggregate classification (germline): Likely benign. Review status: criteria provided, multiple submitters, no conflicts (2 of 4 stars). 3 submissions from 3 submitters: Likely benign (2). 1 of the submissions does not count toward it. Last evaluated 2025-10-01.

Conditions:
TENM3-related disorder. Also called: TENM3-related condition.

Allele frequency attached by ClinVar (database versions not stated): TOPMed 0.00014; gnomAD 0.00018 and 0.00019; gnomAD exomes 0.00028; ExAC 0.00032.
gnomAD v4.1: 270 of 1,453,070 alleles (0.019%); highest among the groups gnomAD compares: Middle Eastern, 0.056%; no homozygotes.

Submissions (3):

Labcorp Genetics (formerly Invitae), Labcorp
Classification: Likely benign. Last evaluated: 2025-10-01. Review status: criteria provided, single submitter. Criteria: Invitae Variant Classification Sherloc (09022015). Collection method: clinical testing. Allele origin: germline.

CeGaT Center for Human Genetics Tuebingen
Classification: Likely benign. Last evaluated: 2022-04-01. Review status: criteria provided, single submitter. Criteria: CeGaT Center For Human Genetics Tuebingen Variant Classification Criteria Version 2. Collection method: clinical testing. Allele origin: germline. Affected: yes. Observed: 1 variant allele.
Comment: TENM3: BP4, BP7

PreventionGenetics, part of Exact Sciences
Classification: Likely benign for TENM3-related condition. Last evaluated: 2019-07-18. Review status: no assertion criteria provided. Collection method: clinical testing. Allele origin: germline. Not counted in ClinVar's aggregate classification.
Comment: This variant is classified as likely benign based on ACMG/AMP sequence variant interpretation guidelines (Richards et al. 2015 PMID: 25741868, with internal and published modifications).

NM_001080477.4(TENM3):c.7905C>G (p.Arg2635=)

Gene: TENM3 (teneurin transmembrane protein 3; plus strand). Cytogenetic location: 4q35.1.
Variant type: single nucleotide variant.
Coding change: c.7905C>G on transcript NM_001080477.4 (MANE Select); coding-DNA position 7905, C replaced by G.
Protein change: p.Arg2635=; no amino-acid change (arginine 2635 retained).
Molecular consequence: synonymous variant.
Genome position (GRCh38, 1-based): chr4:182,800,156, C>G. VCF-style: chr4-182800156-C-G. GRCh37 (hg19) VCF-style: chr4-183721309-C-G.
Identifiers: ClinVar variation 732508 (VCV000732508.31), dbSNP rs748848351, ClinGen allele CA3149033.